The following is an entry in ClinVar:

ClinVar aggregate classification (germline): Uncertain significance (1 of 4 stars; one submission).

Submission:

Ambry Genetics
Classification: Uncertain significance. Last evaluated: 2023-06-28. Review status: criteria provided, single submitter. Criteria: Ambry Variant Classification Scheme 2023. Collection method: clinical testing. Allele origin: germline.
Comment: The p.S8R variant (also known as c.24C>G), located in coding exon 2 of the RAD54L gene, results from a C to G substitution at nucleotide position 24. The serine at codon 8 is replaced by arginine, an amino acid with dissimilar properties. This amino acid position is conserved. In addition, this alteration is predicted to be deleterious by in silico analysis. Since supporting evidence is limited at this time, the clinical significance of this alteration remains unclear.

NM_003579.4(RAD54L):c.24C>G (p.Ser8Arg)

Gene: RAD54L (RAD54 like; plus strand). Cytogenetic location: 1p34.1.
Variant type: single nucleotide variant.
Coding change: c.24C>G on transcript NM_003579.4 (MANE Select); coding-DNA position 24, C replaced by G.
Protein change: p.Ser8Arg; replaces serine 8 with arginine.
Molecular consequence: missense variant. On other transcripts: 5 prime UTR variant (1).
Genome position (GRCh38, 1-based): chr1:46,248,532, C>G. VCF-style: chr1-46248532-C-G. GRCh37 (hg19) VCF-style: chr1-46714204-C-G.
Other names: c.24C>G, p.Ser8Arg (NM_001142548.2); c.-517C>G (NM_001370766.1); short protein forms S8R.
Identifiers: ClinVar variation 1792205 (VCV001792205.3), dbSNP rs2148274422, ClinGen allele CA340173973.
Genomic context (GRCh38, chr1:46,248,532, plus strand): 5'-CAGGATCCTTGCAGGCACTGTTTCTGTTCTCCCTTTACAGAGGAGGAGCTTGGCTCCCAG[C>G]CAGCTGGCCAAGAGAAAACCTGAAGGCAGGTCCTGTGATGATGAAGACTGGCAACCTGGC-3'
Protein context (NP_003570.2, residues 1-18): MRRSLAP[Ser8Arg]QLAKRKPEGR